The following is an entry in ClinVar:

NM_000368.5(TSC1):c.1415G>A (p.Ser472Asn)

Gene: TSC1 (TSC complex subunit 1; minus strand). Cytogenetic location: 9q34.13.
Variant type: single nucleotide variant.
Coding change: c.1415G>A on transcript NM_000368.5 (MANE Select); coding-DNA position 1415, G replaced by A.
Protein change: p.Ser472Asn; replaces serine 472 with asparagine.
Molecular consequence: missense variant.
Genome position (GRCh38, 1-based): chr9:132,906,754, C>T on the plus strand (G>A on the coding strand, the complement: TSC1 is on the minus strand). VCF-style: chr9-132906754-C-T. GRCh37 (hg19) VCF-style: chr9-135782141-C-T.
Other names: c.1412G>A, p.Ser471Asn (NM_001162426.2); c.1262G>A, p.Ser421Asn (NM_001162427.2); c.1052G>A, p.Ser351Asn (NM_001362177.2); short protein forms S472N, S471N, S351N, S421N.
Identifiers: ClinVar variation 574508 (VCV000574508.15), dbSNP rs1203620977, ClinGen allele CA375365839.

ClinVar aggregate classification (germline): Uncertain significance. Review status: criteria provided, multiple submitters, no conflicts (2 of 4 stars). 3 submissions from 3 submitters: Uncertain significance (3). Last evaluated 2025-03-05.

Conditions:
Hereditary cancer-predisposing syndrome. Also called: Hereditary neoplastic syndrome; Neoplastic Syndromes, Hereditary; Hereditary Cancer Syndrome; Tumor predisposition. Identifiers: Orphanet 140162, MedGen C0027672, MeSH D009386, MONDO:0015356.
Tuberous sclerosis 1 (TSC1). Identifiers: Orphanet 805, MedGen C1854465, MONDO:0008612, OMIM 191100.

Allele frequency attached by ClinVar (database versions not stated): gnomAD exomes below 0.00001.
gnomAD v4.1: 1 of 1,614,022 alleles (0.000062%); highest among the groups gnomAD compares: Non-Finnish European, 0.000085%; no homozygotes.

Submissions (3):

Labcorp Genetics (formerly Invitae), Labcorp
Classification: Uncertain significance for Tuberous sclerosis 1. Last evaluated: 2025-03-05. Review status: criteria provided, single submitter. Criteria: Invitae Variant Classification Sherloc (09022015). Collection method: clinical testing. Allele origin: germline.
Comment: This sequence change replaces serine, which is neutral and polar, with asparagine, which is neutral and polar, at codon 472 of the TSC1 protein (p.Ser472Asn). This variant is not present in population databases (gnomAD no frequency). This variant has not been reported in the literature in individuals affected with TSC1-related conditions. ClinVar contains an entry for this variant (Variation ID: 574508). Invitae Evidence Modeling of protein sequence and biophysical properties (such as structural, functional, and spatial information, amino acid conservation, physicochemical variation, residue mobility, and thermodynamic stability) indicates that this missense variant is not expected to disrupt TSC1 protein function with a negative predictive value of 95%. In summary, the available evidence is currently insufficient to determine the role of this variant in disease. Therefore, it has been classified as a Variant of Uncertain Significance.

Ambry Genetics
Classification: Uncertain significance for Hereditary cancer-predisposing syndrome. Last evaluated: 2025-02-28. Review status: criteria provided, single submitter. Criteria: Ambry Variant Classification Scheme 2023. Collection method: clinical testing. Allele origin: germline.
Comment: The p.S472N variant (also known as c.1415G>A), located in coding exon 12 of the TSC1 gene, results from a G to A substitution at nucleotide position 1415. The serine at codon 472 is replaced by asparagine, an amino acid with highly similar properties. This amino acid position is highly conserved in available vertebrate species. In addition, this alteration is predicted to be tolerated by in silico analysis. Since supporting evidence is limited at this time, the clinical significance of this alteration remains unclear.

Genetics and Molecular Pathology, SA Pathology
Classification: Uncertain significance for Tuberous sclerosis 1. Last evaluated: 2022-06-15. Review status: criteria provided, single submitter. Criteria: ACMG Guidelines, 2015. Collection method: clinical testing. Allele origin: germline. Inheritance: Autosomal dominant inheritance. Affected: yes.
Comment: The TSC1 c.1415G>A variant is classified as VARIANT OF UNCERTAIN SIGNIFICANCE (PM2, PP4) The variant is a single nucleotide change in exon 14/23 of the TSC1 gene, which is predicted to change the amino acid serine at position 472 in the protein to asparagine. The variant is in dbSNP (rs1203620977) but is absent from population databases (PM2). The variant has been reported in ClinVar as VUS (Variation ID: 574508). The variant has not been reported in HGMD. Computational predictions are conflicting. Patient's clinical phenotype is highly specific for TSC1 (PP4).